The following is an entry in ClinVar:

ClinVar aggregate classification (germline): Uncertain significance. Review status: criteria provided, multiple submitters, no conflicts (2 of 4 stars). 2 submissions from 2 submitters: Uncertain significance (2). Last evaluated 2022-09-29.

Conditions:
Immunodeficiency 51 (IMD51). Also called: CANDIDIASIS, FAMILIAL, 5. Identifiers: Orphanet 1334, MedGen C4310803, MONDO:0013500, OMIM 613953.

Allele frequency attached by ClinVar (database versions not stated): ExAC 0.00001; gnomAD exomes 0.00001; TOPMed 0.00001; gnomAD 0.00002.
gnomAD v4.1: 7 of 1,613,946 alleles (0.00043%); highest among the groups gnomAD compares: East Asian, 0.0022%; no homozygotes.

Submissions (2):

Ambry Genetics
Classification: Uncertain significance. Last evaluated: 2022-09-29. Review status: criteria provided, single submitter. Criteria: Ambry Variant Classification Scheme 2023. Collection method: clinical testing. Allele origin: germline.

Labcorp Genetics (formerly Invitae), Labcorp
Classification: Uncertain significance for Immunodeficiency 51. Last evaluated: 2022-07-15. Review status: criteria provided, single submitter. Criteria: Invitae Variant Classification Sherloc (09022015). Collection method: clinical testing. Allele origin: germline.
Comment: This sequence change replaces glutamic acid, which is acidic and polar, with lysine, which is basic and polar, at codon 97 of the IL17RA protein (p.Glu97Lys). This variant is present in population databases (rs749306401, gnomAD 0.006%). This variant has not been reported in the literature in individuals affected with IL17RA-related conditions. ClinVar contains an entry for this variant (Variation ID: 642398). Algorithms developed to predict the effect of missense changes on protein structure and function output the following: SIFT: "Deleterious"; PolyPhen-2: "Benign"; Align-GVGD: "Class C0". The lysine amino acid residue is found in multiple mammalian species, which suggests that this missense change does not adversely affect protein function. In summary, the available evidence is currently insufficient to determine the role of this variant in disease. Therefore, it has been classified as a Variant of Uncertain Significance.

NM_014339.7(IL17RA):c.289G>A (p.Glu97Lys)

Gene: IL17RA (interleukin 17 receptor A; plus strand). Cytogenetic location: 22q11.1.
Variant type: single nucleotide variant.
Coding change: c.289G>A on transcript NM_014339.7 (MANE Select); coding-DNA position 289, G replaced by A.
Protein change: p.Glu97Lys; replaces glutamic acid 97 with lysine.
Molecular consequence: missense variant.
Genome position (GRCh38, 1-based): chr22:17,097,922, G>A. VCF-style: chr22-17097922-G-A. GRCh37 (hg19) VCF-style: chr22-17578812-G-A.
Other names: c.289G>A (NM_014339.5); c.289G>A, p.Glu97Lys (NM_001289905.2); short protein forms E97K.
Identifiers: ClinVar variation 642398 (VCV000642398.8), dbSNP rs749306401, ClinGen allele CA10086284.